The following is an entry in ClinVar:

ClinVar aggregate classification (germline): Uncertain significance (1 of 4 stars; one submission).

Conditions:
LAMA2-related muscular dystrophy (LAMA2-RD). Also called: Laminin alpha 2-related dystrophy. Identifiers: MedGen C5679788, MONDO:0100228.

Submission:

Myriad Genetics, Inc.
Classification: Uncertain significance for LAMA2-related muscular dystrophy. Last evaluated: 2026-08-03. Review status: criteria provided, single submitter. Criteria: Myriad Autosomal Dominant, Autosomal Recessive and X-Linked Classification Criteria (2023). Collection method: clinical testing. Allele origin: unknown.
Comment: NM_000426.3(LAMA2):c.9237_9239delAAC(T3080del) is an in-frame deletion classified as a variant of uncertain significance in the context of muscular dystrophy, LAMA2-related. T3080del has not been observed in cases with relevant disease. Relevant functional assessments of this variant are not available in the literature. T3080del has not been observed in referenced population frequency databases. In summary, there is insufficient evidence to classify NM_000426.3(LAMA2):c.9237_9239delAAC(T3080del) as pathogenic or benign. Please note: this variant was assessed in the context of healthy population screening.

NM_000426.4(LAMA2):c.9234AAC[1] (p.Thr3080del)

Gene: LAMA2 (laminin subunit alpha 2; plus strand). Cytogenetic location: 6q22.33.
Variant type: Microsatellite.
Coding change: c.9234AAC[1] on transcript NM_000426.4 (MANE Select); one copy of the 3-base unit AAC starting at c.9234; the reference has two copies in a row; one copy, 3 bases deleted.
Protein change: p.Thr3080del; deletes threonine 3080.
Molecular consequence: inframe deletion.
Genome position (GRCh38, 1-based): chr6:129,516,215-129,516,217, AAC deleted; deleting any 3 consecutive bases within chr6:129,516,212-129,516,217 gives the same sequence; the position shown is the placement nearest the transcript's 3' end. VCF-style (leftmost placement, unchanged base first): chr6-129516211-TAAC-T. GRCh37 (hg19) VCF-style: chr6-129837356-TAAC-T.
Other names: c.9222AAC[1], p.Thr3076del (NM_001079823.2); short protein forms T3076del, T3080del.
Identifiers: ClinVar variation 5004830 (VCV005004830.1).
Genomic context (GRCh38, chr6:129,516,211, plus strand): 5'-ACATTTCAAAGCTGAGCCCTCTTGCATTGCCTTTTTCAGATGACCTCAAGCAGTTTGGCC[TAAC>T]AACCAGTATTCCGTTCCGAGGTTGCATCAGATCCCTGAAGCTCACCAAAGGCACAGGCAA-3'